The following is an entry in ClinVar:

ClinVar aggregate classification (germline): Benign. Review status: criteria provided, multiple submitters, no conflicts (2 of 4 stars). 4 submissions from 4 submitters: Benign (4). Last evaluated 2026-02-04.

Allele frequency attached by ClinVar (database versions not stated): TOPMed 0.50386; gnomAD 0.51109 and 0.51477; ESP Exome Variant Server 0.51845; gnomAD exomes 0.52445 and 0.53249; 1000 Genomes Project 30x 0.52701; ExAC 0.52850; 1000 Genomes Project 0.53015.
gnomAD v4.1: 850,477 of 1,602,556 alleles (53%); highest among the groups gnomAD compares: South Asian, 63%; 228,378 homozygotes.

Submissions (4):

Labcorp Genetics (formerly Invitae), Labcorp
Classification: Benign. Last evaluated: 2026-02-04. Review status: criteria provided, single submitter. Criteria: Invitae Variant Classification Sherloc (09022015). Collection method: clinical testing. Allele origin: germline.

Blueprint Genetics
Classification: Benign. Last evaluated: 2024-11-26. Review status: criteria provided, single submitter. Criteria: ACMG Guidelines, 2015. Collection method: clinical testing. Allele origin: germline.

Unidad de Genómica Garrahan, Hospital de Pediatría Garrahan
Classification: Benign. Last evaluated: 2024-01-24. Review status: criteria provided, single submitter. Criteria: ACMG Guidelines, 2015. Collection method: clinical testing. Allele origin: germline. Affected: no. Observed: 50 variant alleles.
Comment: This variant is classified as Benign based on local population frequency. This variant was detected in 57% of patients studied by a panel of primary immunodeficiencies. Number of patients: 50. Only high quality variants are reported.

Breakthrough Genomics
Classification: Benign. Review status: criteria provided, single submitter. Criteria: ACMG Guidelines, 2015. Collection method: not provided. Allele origin: germline. Inheritance: Unknown mechanism. Affected: yes.

NM_144701.3(IL23R):c.9G>T (p.Gln3His)

Gene: IL23R (interleukin 23 receptor; plus strand). Cytogenetic location: 1p31.3.
Variant type: single nucleotide variant.
Coding change: c.9G>T on transcript NM_144701.3 (MANE Select); coding-DNA position 9, G replaced by T.
Protein change: p.Gln3His; replaces glutamine 3 with histidine.
Molecular consequence: missense variant.
Genome position (GRCh38, 1-based): chr1:67,168,129, G>T. VCF-style: chr1-67168129-G-T. GRCh37 (hg19) VCF-style: chr1-67633812-G-T.
Other names: short protein forms Q3H.
Identifiers: ClinVar variation 1169496 (VCV001169496.13), dbSNP rs1884444, ClinGen allele CA899612.